The following is an entry in ClinVar:

NM_199420.4(POLQ):c.7228G>C (p.Ala2410Pro)

Gene: POLQ (DNA polymerase theta; minus strand). Cytogenetic location: 3q13.33.
Variant type: single nucleotide variant.
Coding change: c.7228G>C on transcript NM_199420.4 (MANE Select); coding-DNA position 7228, G replaced by C.
Protein change: p.Ala2410Pro; replaces alanine 2410 with proline.
Molecular consequence: missense variant.
Genome position (GRCh38, 1-based): chr3:121,449,351, C>G on the plus strand (G>C on the coding strand, the complement: POLQ is on the minus strand). VCF-style: chr3-121449351-C-G. GRCh37 (hg19) VCF-style: chr3-121168198-C-G.
Other names: short protein forms A2410P.
Identifiers: ClinVar variation 2449346 (VCV002449346.2), dbSNP rs780536132, ClinGen allele CA2562242.

ClinVar aggregate classification (germline): Uncertain significance (1 of 4 stars; one submission).

Allele frequency attached by ClinVar (database versions not stated): ExAC 0.00001; TOPMed 0.00001.

Submission:

Ambry Genetics
Classification: Uncertain significance. Last evaluated: 2023-02-28. Review status: criteria provided, single submitter. Criteria: Ambry Variant Classification Scheme 2023. Collection method: clinical testing. Allele origin: germline.
Comment: The p.A2410P variant (also known as c.7228G>C), located in coding exon 26 of the POLQ gene, results from a G to C substitution at nucleotide position 7228. The alanine at codon 2410 is replaced by proline, an amino acid with highly similar properties. This amino acid position is conserved. In addition, this alteration is predicted to be deleterious by in silico analysis. Since supporting evidence is limited at this time, the clinical significance of this alteration remains unclear.